The following is an entry in ClinVar:

ClinVar aggregate classification (germline): Uncertain significance (1 of 4 stars; one submission).

Submission:

Labcorp Genetics (formerly Invitae), Labcorp
Classification: Uncertain significance. Last evaluated: 2025-07-03. Review status: criteria provided, single submitter. Criteria: Invitae Variant Classification Sherloc (09022015). Collection method: clinical testing. Allele origin: germline.
Comment: This sequence change replaces leucine, which is neutral and non-polar, with phenylalanine, which is neutral and non-polar, at codon 1401 of the TRRAP protein (p.Leu1401Phe). This variant is not present in population databases (gnomAD no frequency). This variant has not been reported in the literature in individuals affected with TRRAP-related conditions. Invitae Evidence Modeling of protein sequence and biophysical properties (such as structural, functional, and spatial information, amino acid conservation, physicochemical variation, residue mobility, and thermodynamic stability) indicates that this missense variant is expected to disrupt TRRAP protein function with a positive predictive value of 80%. In summary, the available evidence is currently insufficient to determine the role of this variant in disease. Therefore, it has been classified as a Variant of Uncertain Significance.

NM_001375524.1(TRRAP):c.4201C>T (p.Leu1401Phe)

Gene: TRRAP (transformation/transcription domain associated protein; plus strand). Cytogenetic location: 7q22.1.
Variant type: single nucleotide variant.
Coding change: c.4201C>T on transcript NM_001375524.1 (MANE Select); coding-DNA position 4201, C replaced by T.
Protein change: p.Leu1401Phe; replaces leucine 1401 with phenylalanine.
Molecular consequence: missense variant.
Genome position (GRCh38, 1-based): chr7:98,937,245, C>T. VCF-style: chr7-98937245-C-T. GRCh37 (hg19) VCF-style: chr7-98534868-C-T.
Other names: c.4201C>T, p.Leu1401Phe (NM_001244580.2, NM_003496.4); short protein forms L1401F.
Identifiers: ClinVar variation 4743434 (VCV004743434.1).
Genomic context (GRCh38, chr7:98,937,245, plus strand): 5'-CAGTCCAGGGAGAAAATCATCGCTGCACTCTTCAAAGCCCTGAATTCCACCAATAGTGAG[C>T]TCCAAGAGGCCGGAGAAGCCTGTATGAGAAAGGTGAGTGTGTGTGCGTGCGTGTATGCGC-3'
Protein context (NP_001362453.1, residues 1391-1411): FKALNSTNSE[Leu1401Phe]QEAGEACMRK